The following is an entry in ClinVar:

NM_002528.7(NTHL1):c.705C>G (p.His235Gln)

Gene: NTHL1 (nth like DNA glycosylase 1; minus strand). Cytogenetic location: 16p13.3.
Variant type: single nucleotide variant.
Coding change: c.705C>G on transcript NM_002528.7 (MANE Select); coding-DNA position 705, C replaced by G.
Protein change: p.His235Gln; replaces histidine 235 with glutamine.
Molecular consequence: missense variant.
Genome position (GRCh38, 1-based): chr16:2,040,219, G>C on the plus strand (C>G on the coding strand, the complement: NTHL1 is on the minus strand). VCF-style: chr16-2040219-G-C. GRCh37 (hg19) VCF-style: chr16-2090220-G-C.
Other names: c.729C>G (NM_002528.5); c.534C>G, p.His178Gln (NM_001318193.2); c.375C>G, p.His125Gln (NM_001318194.2); short protein forms H125Q, H178Q, H235Q.
Identifiers: ClinVar variation 1959501 (VCV001959501.7), dbSNP rs992194912, ClinGen allele CA394289274.
Genomic context (GRCh38, chr16:2,040,219, plus strand): 5'-GCGGGTCTCCTCTGGGGACTTGGTTGCCTTCTTGGTCCACCTCAGCCTGTTGGCGATTCT[G>C]TGCACATGCGTGTCCACTGCTGCTGGGAGGCCAAGCGGGGTGAACAGGGGCACACTCCAC-3'
Protein context (NP_002519.2, residues 225-245): VSGIAVDTHV[His235Gln]RIANRLRWTK

ClinVar aggregate classification (germline): Uncertain significance. Review status: criteria provided, multiple submitters, no conflicts (2 of 4 stars). 2 submissions from 2 submitters: Uncertain significance (2). Last evaluated 2025-01-27.

Conditions:
Hereditary cancer-predisposing syndrome. Also called: Hereditary Cancer Syndrome; Hereditary neoplastic syndrome; Tumor predisposition; Neoplastic Syndromes, Hereditary. Identifiers: Orphanet 140162, MedGen C0027672, MeSH D009386, MONDO:0015356.

Allele frequency attached by ClinVar (database versions not stated): gnomAD exomes below 0.00001; TOPMed below 0.00001.
gnomAD v4.1: 1 of 1,613,696 alleles (0.000062%); highest among the groups gnomAD compares: East Asian, 0.0022%; no homozygotes.

Submissions (2):

Labcorp Genetics (formerly Invitae), Labcorp
Classification: Uncertain significance. Last evaluated: 2025-01-27. Review status: criteria provided, single submitter. Criteria: Invitae Variant Classification Sherloc (09022015). Collection method: clinical testing. Allele origin: germline.
Comment: This sequence change replaces histidine, which is basic and polar, with glutamine, which is neutral and polar, at codon 243 of the NTHL1 protein (p.His243Gln). This variant is not present in population databases (gnomAD no frequency). This variant has not been reported in the literature in individuals affected with NTHL1-related conditions. ClinVar contains an entry for this variant (Variation ID: 1959501). An algorithm developed to predict the effect of missense changes on protein structure and function (PolyPhen-2) suggests that this variant is likely to be disruptive. In summary, the available evidence is currently insufficient to determine the role of this variant in disease. Therefore, it has been classified as a Variant of Uncertain Significance.

Ambry Genetics
Classification: Uncertain significance for Hereditary cancer-predisposing syndrome. Last evaluated: 2022-11-26. Review status: criteria provided, single submitter. Criteria: Ambry Variant Classification Scheme 2023. Collection method: clinical testing. Allele origin: germline.
Comment: The p.H243Q variant (also known as c.729C>G), located in coding exon 5 of the NTHL1 gene, results from a C to G substitution at nucleotide position 729. The histidine at codon 243 is replaced by glutamine, an amino acid with highly similar properties. This amino acid position is conserved. In addition, this alteration is predicted to be deleterious by in silico analysis. Since supporting evidence is limited at this time, the clinical significance of this alteration remains unclear.